The following is an entry in ClinVar:

ClinVar aggregate classification (germline): Likely benign (1 of 4 stars; one submission).

Conditions:
FAT1-related disorder. Also called: FAT1-related condition.

gnomAD v4.1: 117 of 1,613,726 alleles (0.0073%); highest among the groups gnomAD compares: Non-Finnish European, 0.0036%; no homozygotes.

Submission:

PreventionGenetics, part of Exact Sciences
Classification: Likely benign for FAT1-related condition. Last evaluated: 2025-07-15. Review status: criteria provided, single submitter. Criteria: ACMG Guidelines, 2015. Collection method: clinical testing. Allele origin: germline.
Comment: This variant is classified as likely benign based on ACMG/AMP sequence variant interpretation guidelines (Richards et al. 2015 PMID: 25741868, with internal and published modifications).

NM_005245.4(FAT1):c.12208G>A (p.Asp4070Asn)

Gene: FAT1 (FAT atypical cadherin 1; minus strand). Cytogenetic location: 4q35.2.
Variant type: single nucleotide variant.
Coding change: c.12208G>A on transcript NM_005245.4 (MANE Select); coding-DNA position 12208, G replaced by A.
Protein change: p.Asp4070Asn; replaces aspartic acid 4070 with asparagine.
Molecular consequence: missense variant.
Genome position (GRCh38, 1-based): chr4:186,598,021, C>T on the plus strand (G>A on the coding strand, the complement: FAT1 is on the minus strand). VCF-style: chr4-186598021-C-T. GRCh37 (hg19) VCF-style: chr4-187519175-C-T.
Other names: c.12208G>A, p.Asp4070Asn (NM_001440455.1, NM_001440456.1, NM_001440457.1); short protein forms D4070N.
Identifiers: ClinVar variation 4994273 (VCV004994273.1).